The following is an entry in ClinVar:

NM_001201427.2(DAAM2):c.2661C>T (p.Gly887=)

Gene: DAAM2 (dishevelled associated activator of morphogenesis 2; plus strand). Cytogenetic location: 6p21.2.
Variant type: single nucleotide variant.
Coding change: c.2661C>T on transcript NM_001201427.2 (MANE Select); coding-DNA position 2661, C replaced by T.
Protein change: p.Gly887=; no amino-acid change (glycine 887 retained).
Molecular consequence: synonymous variant.
Genome position (GRCh38, 1-based): chr6:39,898,919, C>T. VCF-style: chr6-39898919-C-T. GRCh37 (hg19) VCF-style: chr6-39866695-C-T.
Other names: c.2661C>T, p.Gly887= (NM_015345.4).
Identifiers: ClinVar variation 3031520 (VCV003031520.2), dbSNP rs780925746, ClinGen allele CA137642055.

ClinVar aggregate classification (germline): Likely benign (0 of 4 stars; one submission).

Conditions:
DAAM2-related disorder. Also called: DAAM2-related condition.

gnomAD v4.1: 2 of 1,612,260 alleles (0.00012%); highest among the groups gnomAD compares: African/African-American, 0.0013%; no homozygotes.

Submission:

PreventionGenetics, part of Exact Sciences
Classification: Likely benign for DAAM2-related condition. Last evaluated: 2021-04-23. Review status: no assertion criteria provided. Collection method: clinical testing. Allele origin: germline.
Comment: This variant is classified as likely benign based on ACMG/AMP sequence variant interpretation guidelines (Richards et al. 2015 PMID: 25741868, with internal and published modifications).